The following is an entry in ClinVar:

ClinVar aggregate classification (germline): Uncertain significance (1 of 4 stars; one submission).

Conditions:
Tumor predisposition syndrome 3 (TPDS3). Also called: Melanoma, cutaneous malignant, susceptibility to, 10; Glioma susceptibility 9; LONG TELOMERE SYNDROME, POT1-RELATED; POT1 Tumor Predisposition. Identifiers: Orphanet 618, MedGen C4014476, MONDO:0014368, OMIM 615848.

gnomAD v4.1: 1 of 1,613,864 alleles (0.000062%); no homozygotes.

Submission:

Labcorp Genetics (formerly Invitae), Labcorp
Classification: Uncertain significance for Tumor predisposition syndrome 3. Last evaluated: 2022-07-11. Review status: criteria provided, single submitter. Criteria: Invitae Variant Classification Sherloc (09022015). Collection method: clinical testing. Allele origin: germline.
Comment: This variant is not present in population databases (gnomAD no frequency). This sequence change replaces arginine, which is basic and polar, with serine, which is neutral and polar, at codon 117 of the POT1 protein (p.Arg117Ser). In summary, the available evidence is currently insufficient to determine the role of this variant in disease. Therefore, it has been classified as a Variant of Uncertain Significance. This variant disrupts the p.Arg117 amino acid residue in POT1. Other variant(s) that disrupt this residue have been determined to be pathogenic (PMID: 26403419; Invitae). This suggests that this residue is clinically significant, and that variants that disrupt this residue are likely to be disease-causing. Algorithms developed to predict the effect of missense changes on protein structure and function are either unavailable or do not agree on the potential impact of this missense change (SIFT: "Deleterious"; PolyPhen-2: "Possibly Damaging"; Align-GVGD: "Class C0"). This variant has not been reported in the literature in individuals affected with POT1-related conditions.

Literature cited by the submitters: PubMed 26403419.

NM_015450.3(POT1):c.349C>A (p.Arg117Ser)

Gene: POT1 (protection of telomeres 1; minus strand). Cytogenetic location: 7q31.33.
Variant type: single nucleotide variant.
Coding change: c.349C>A on transcript NM_015450.3 (MANE Select); coding-DNA position 349, C replaced by A.
Protein change: p.Arg117Ser; replaces arginine 117 with serine.
Molecular consequence: missense variant. On other transcripts: 5 prime UTR variant (1), non-coding transcript variant (3).
Genome position (GRCh38, 1-based): chr7:124,863,547, G>T on the plus strand (C>A on the coding strand, the complement: POT1 is on the minus strand). VCF-style: chr7-124863547-G-T. GRCh37 (hg19) VCF-style: chr7-124503601-G-T.
Other names: c.-45C>A (NM_001042594.2); short protein forms R117S.
Identifiers: ClinVar variation 2016237 (VCV002016237.4), dbSNP rs780936436, ClinGen allele CA369059978.